The following is an entry in ClinVar:

NM_000431.4(MVK):c.52G>A (p.Gly18Arg)

Gene: MVK (mevalonate kinase; plus strand). Cytogenetic location: 12q24.11.
Variant type: single nucleotide variant.
Coding change: c.52G>A on transcript NM_000431.4 (MANE Select); coding-DNA position 52, G replaced by A.
Protein change: p.Gly18Arg; replaces glycine 18 with arginine.
Molecular consequence: missense variant. On other transcripts: non-coding transcript variant (4), intron variant (1).
Genome position (GRCh38, 1-based): chr12:109,574,874, G>A. VCF-style: chr12-109574874-G-A. GRCh37 (hg19) VCF-style: chr12-110012679-G-A.
Other names: c.52G>A, p.Gly18Arg (NM_001114185.3, NM_001301182.2, NM_001414511.1 and 3 more transcripts); c.-505+1001G>A (NM_001414515.1); short protein forms G18R.
Identifiers: ClinVar variation 2643278 (VCV002643278.25), dbSNP rs772552059, ClinGen allele CA6779131.

ClinVar aggregate classification (germline): Conflicting classifications of pathogenicity. Review status: criteria provided, conflicting classifications (1 of 4 stars). 2 submissions from 2 submitters: Likely pathogenic (1); Uncertain significance (1). Last evaluated 2025-07-31.

Allele frequency attached by ClinVar (database versions not stated): ExAC 0.00001; gnomAD 0.00001.
gnomAD v4.1: 2 of 1,610,158 alleles (0.00012%); highest among the groups gnomAD compares: Non-Finnish European, 0.000085%; no homozygotes.

Submissions (2):

Women's Health and Genetics/Laboratory Corporation of America, LabCorp
Classification: Uncertain significance. Last evaluated: 2025-07-31. Review status: criteria provided, single submitter. Criteria: LabCorp Variant Classification Summary - May 2015. Collection method: clinical testing. Allele origin: germline.
Comment: Variant summary: MVK c.52G>A (p.Gly18Arg) results in a non-conservative amino acid change in the encoded protein sequence. Algorithms developed to predict the effect of missense changes on protein structure and function all suggest that this variant is likely to be disruptive. The variant allele was found at a frequency of 4.1e-06 in 244562 control chromosomes. c.52G>A has been observed in individual(s) affected with MVK related conditions (Karaca_2019, Platt_2021). These data indicate that the variant may be associated with disease. To our knowledge, no experimental evidence demonstrating an impact on protein function has been reported. The following publications have been ascertained in the context of this evaluation (PMID: 30783801, 32888943). ClinVar contains an entry for this variant (Variation ID: 2643278). Based on the evidence outlined above, the variant was classified as VUS-possibly pathogenic.

CeGaT Center for Human Genetics Tuebingen
Classification: Likely pathogenic. Last evaluated: 2022-08-01. Review status: criteria provided, single submitter. Criteria: CeGaT Center For Human Genetics Tuebingen Variant Classification Criteria Version 2. Collection method: clinical testing. Allele origin: germline. Affected: yes. Observed: 1 variant allele.
Comment: MVK: PM3:Strong, PM2, PP3, PP4

Literature cited by the submitters: PubMed 32888943 (cited by Women's Health and Genetics/Laboratory Corporation of America, LabCorp); PubMed 30783801 (cited by Women's Health and Genetics/Laboratory Corporation of America, LabCorp).